The following is an entry in ClinVar:

NM_032776.3(JMJD1C):c.2037T>C (p.His679=)

Gene: JMJD1C (jumonji domain containing 1C; minus strand). Cytogenetic location: 10q21.3.
Variant type: single nucleotide variant.
Coding change: c.2037T>C on transcript NM_032776.3 (MANE Select); coding-DNA position 2037, T replaced by C.
Protein change: p.His679=; no amino-acid change (histidine 679 retained).
Molecular consequence: synonymous variant. On other transcripts: non-coding transcript variant (1).
Genome position (GRCh38, 1-based): chr10:63,214,130, A>G on the plus strand (T>C on the coding strand, the complement: JMJD1C is on the minus strand). VCF-style: chr10-63214130-A-G. GRCh37 (hg19) VCF-style: chr10-64973890-A-G.
Other names: c.1491T>C, p.His497= (NM_001282948.2, NM_001318154.2); c.1173T>C, p.His391= (NM_001318153.2); c.1923T>C, p.His641= (NM_001322252.2); c.1380T>C, p.His460= (NM_001322254.2, NM_001322258.2).
Identifiers: ClinVar variation 529722 (VCV000529722.36), dbSNP rs112116567, ClinGen allele CA5518695.

ClinVar aggregate classification (germline): Benign/Likely benign. Review status: criteria provided, multiple submitters, no conflicts (2 of 4 stars). 3 submissions from 3 submitters: Benign (1); Likely benign (2). Last evaluated 2026-01-19.

Conditions:
Early Myoclonic Encephalopathy. Identifiers: MedGen C0270855.

Allele frequency attached by ClinVar (database versions not stated): ESP Exome Variant Server 0.00058; gnomAD 0.00059 and 0.00073; TOPMed 0.00074; ExAC 0.00083; gnomAD exomes 0.00094 and 0.00096; 1000 Genomes Project 0.00140; 1000 Genomes Project 30x 0.00141.
gnomAD v4.1: 1,506 of 1,614,186 alleles (0.093%); highest among the groups gnomAD compares: Middle Eastern, 0.82%; 9 homozygotes.

Submissions (3):

Labcorp Genetics (formerly Invitae), Labcorp
Classification: Likely benign for Early Myoclonic Encephalopathy. Last evaluated: 2026-01-19. Review status: criteria provided, single submitter. Criteria: Invitae Variant Classification Sherloc (09022015). Collection method: clinical testing. Allele origin: germline.

CeGaT Center for Human Genetics Tuebingen
Classification: Benign. Last evaluated: 2024-07-01. Review status: criteria provided, single submitter. Criteria: CeGaT Center For Human Genetics Tuebingen Variant Classification Criteria Version 2. Collection method: clinical testing. Allele origin: germline. Affected: yes. Observed: 2 variant alleles.
Comment: JMJD1C: BS1, BS2

Breakthrough Genomics
Classification: Likely benign. Review status: criteria provided, single submitter. Criteria: ACMG Guidelines, 2015. Collection method: not provided. Allele origin: germline. Inheritance: Unknown mechanism. Affected: yes.